The following is an entry in ClinVar:

NM_001103.4(ACTN2):c.2598G>T (p.Met866Ile)

Gene: ACTN2 (actinin alpha 2; plus strand). Cytogenetic location: 1q43.
Variant type: single nucleotide variant.
Coding change: c.2598G>T on transcript NM_001103.4 (MANE Select); coding-DNA position 2598, G replaced by T.
Protein change: p.Met866Ile; replaces methionine 866 with isoleucine.
Molecular consequence: missense variant.
Genome position (GRCh38, 1-based): chr1:236,762,532, G>T. VCF-style: chr1-236762532-G-T. GRCh37 (hg19) VCF-style: chr1-236925832-G-T.
Other names: c.2598G>T, p.Met866Ile (NM_001278343.2); c.1974G>T, p.Met658Ile (NM_001278344.2); c.1848G>T, p.Met616Ile (NM_001412150.1); short protein forms M866I, M658I, M616I.
Identifiers: ClinVar variation 1793594 (VCV001793594.2), dbSNP rs1212130923, ClinGen allele CA345392352.

ClinVar aggregate classification (germline): Uncertain significance (1 of 4 stars; one submission).

Conditions:
Cardiovascular phenotype. Identifiers: MedGen CN230736.

Submission:

Ambry Genetics
Classification: Uncertain significance for Cardiovascular phenotype. Last evaluated: 2022-10-09. Review status: criteria provided, single submitter. Criteria: Ambry Variant Classification Scheme 2023. Collection method: clinical testing. Allele origin: germline.
Comment: The p.M866I variant (also known as c.2598G>T), located in coding exon 21 of the ACTN2 gene, results from a G to T substitution at nucleotide position 2598. The methionine at codon 866 is replaced by isoleucine, an amino acid with highly similar properties. This amino acid position is conserved. In addition, this alteration is predicted to be deleterious by in silico analysis. Since supporting evidence is limited at this time, the clinical significance of this alteration remains unclear.